The following is an entry in ClinVar:

ClinVar aggregate classification (germline): Uncertain significance (1 of 4 stars; one submission).

Submission:

Labcorp Genetics (formerly Invitae), Labcorp
Classification: Uncertain significance. Last evaluated: 2025-03-31. Review status: criteria provided, single submitter. Criteria: Invitae Variant Classification Sherloc (09022015). Collection method: clinical testing. Allele origin: germline.
Comment: This sequence change falls in intron 2 of the GCGR gene. It does not directly change the encoded amino acid sequence of the GCGR protein. It affects a nucleotide within the consensus splice site. This variant is not present in population databases (gnomAD no frequency). This variant has not been reported in the literature in individuals affected with GCGR-related conditions. ClinVar contains an entry for this variant (Variation ID: 1523016). Variants that disrupt the consensus splice site are a relatively common cause of aberrant splicing (PMID: 17576681, 9536098). Algorithms developed to predict the effect of sequence changes on RNA splicing suggest that this variant may disrupt the consensus splice site. In summary, the available evidence is currently insufficient to determine the role of this variant in disease. Therefore, it has been classified as a Variant of Uncertain Significance.

Literature cited by the submitters: PubMed 17576681; PubMed 9536098.

NM_000160.5(GCGR):c.61-3C>A

Gene: GCGR (glucagon receptor; plus strand). Cytogenetic location: 17q25.3.
Variant type: single nucleotide variant.
Coding change: c.61-3C>A on transcript NM_000160.5 (MANE Select); 3 bases into the intron before coding-DNA position 61, C replaced by A.
Molecular consequence: intron variant.
Genome position (GRCh38, 1-based): chr17:81,809,779, C>A. VCF-style: chr17-81809779-C-A. GRCh37 (hg19) VCF-style: chr17-79767655-C-A.
Identifiers: ClinVar variation 1523016 (VCV001523016.6), dbSNP rs2143121663, ClinGen allele CA2573155054.